The following is an entry in ClinVar:

NM_014045.5(LRP10):c.1917G>A (p.Gly639=)

Gene: LRP10 (LDL receptor related protein 10; plus strand). Cytogenetic location: 14q11.2.
Variant type: single nucleotide variant.
Coding change: c.1917G>A on transcript NM_014045.5 (MANE Select); coding-DNA position 1917, G replaced by A.
Protein change: p.Gly639=; no amino-acid change (glycine 639 retained).
Molecular consequence: synonymous variant. On other transcripts: intron variant (1).
Genome position (GRCh38, 1-based): chr14:22,877,302, G>A. VCF-style: chr14-22877302-G-A. GRCh37 (hg19) VCF-style: chr14-23346511-G-A.
Other names: c.1668+249G>A (NM_001329226.2).
Identifiers: ClinVar variation 3042883 (VCV003042883.2), dbSNP rs569902563, ClinGen allele CA7106040.
Genomic context (GRCh38, chr14:22,877,302, plus strand): 5'-GGCTCCCCTCCCATCTGCTAGCACGTCTCCAGCCCCCACTACTGTCCCTGAAGCCCCAGG[G>A]CCACTGCCCTCACTGCCCCTAGAGCCATCACTATTGTCTGGAGTGGTGCAGGCCCTGCGA-3'
Protein context (NP_054764.2, residues 629-649): PAPTTVPEAP[Gly639=]PLPSLPLEPS

ClinVar aggregate classification (germline): Benign (0 of 4 stars; one submission).

Conditions:
LRP10-related disorder. Also called: LRP10-related condition.

Allele frequency attached by ClinVar (database versions not stated): ExAC 0.00128; 1000 Genomes Project 30x 0.00172; 1000 Genomes Project 0.00200.
gnomAD v4.1: 801 of 1,611,918 alleles (0.05%); highest among the groups gnomAD compares: South Asian, 0.83%; 12 homozygotes.

Submission:

PreventionGenetics, part of Exact Sciences
Classification: Benign for LRP10-related condition. Last evaluated: 2019-06-27. Review status: no assertion criteria provided. Collection method: clinical testing. Allele origin: germline.
Comment: This variant is classified as benign based on ACMG/AMP sequence variant interpretation guidelines (Richards et al. 2015 PMID: 25741868, with internal and published modifications).